The following is an entry in ClinVar:

ClinVar aggregate classification (germline): Uncertain significance (1 of 4 stars; one submission).

Conditions:
Glycogen storage disease type III (GSD3). Also called: Cori disease; FORBES DISEASE. Identifiers: Orphanet 366, MedGen C0017922, MONDO:0009291, OMIM 232400.

Allele frequency attached by ClinVar (database versions not stated): TOPMed below 0.00001.

Submission:

Labcorp Genetics (formerly Invitae), Labcorp
Classification: Uncertain significance for Glycogen storage disease type III. Last evaluated: 2022-08-22. Review status: criteria provided, single submitter. Criteria: Invitae Variant Classification Sherloc (09022015). Collection method: clinical testing. Allele origin: germline.
Comment: This sequence change replaces asparagine, which is neutral and polar, with histidine, which is basic and polar, at codon 1236 of the AGL protein (p.Asn1236His). This variant is not present in population databases (gnomAD no frequency). This variant has not been reported in the literature in individuals affected with AGL-related conditions. Algorithms developed to predict the effect of missense changes on protein structure and function are either unavailable or do not agree on the potential impact of this missense change (SIFT: "Deleterious"; PolyPhen-2: "Benign"; Align-GVGD: "Class C0"). In summary, the available evidence is currently insufficient to determine the role of this variant in disease. Therefore, it has been classified as a Variant of Uncertain Significance.

NM_000642.3(AGL):c.3706A>C (p.Asn1236His)

Gene: AGL (amylo-alpha-1,6-glucosidase and 4-alpha-glucanotransferase; plus strand). Cytogenetic location: 1p21.2.
Variant type: single nucleotide variant.
Coding change: c.3706A>C on transcript NM_000642.3 (MANE Select); coding-DNA position 3706, A replaced by C.
Protein change: p.Asn1236His; replaces asparagine 1236 with histidine.
Molecular consequence: missense variant.
Genome position (GRCh38, 1-based): chr1:99,910,717, A>C. VCF-style: chr1-99910717-A-C. GRCh37 (hg19) VCF-style: chr1-100376273-A-C.
Other names: c.3706A>C, p.Asn1236His (NM_000028.3, NM_000643.3, NM_000644.3 and 1 more transcripts); c.3658A>C, p.Asn1220His (NM_000646.3); c.3685A>C, p.Asn1229His (NM_001425326.1); c.3505A>C, p.Asn1169His (NM_001425327.1); c.3502A>C, p.Asn1168His (NM_001425328.1); c.3367A>C, p.Asn1123His (NM_001425329.1); c.3328A>C, p.Asn1110His (NM_001425332.1); short protein forms N1220H, N1236H, N1110H, N1123H, N1168H, N1169H, N1229H.
Identifiers: ClinVar variation 1715609 (VCV001715609.3), dbSNP rs1654685903, ClinGen allele CA341337207.
Genomic context (GRCh38, chr1:99,910,717, plus strand): 5'-ATATACTATATATAATACTTATAAAATTTTATTTTATACACATTTTGTTTTTTAGGTTTT[A>C]ATATAACTGCAGGAGTTGATGAAGAAACAGGATTTGTTTATGGAGGAAATCGTTTCAATT-3'
Protein context (NP_000633.2, residues 1226-1246): IDRNMKDEGF[Asn1236His]ITAGVDEETG